The following is an entry in ClinVar:

ClinVar aggregate classification (germline): Likely benign. Review status: criteria provided, multiple submitters, no conflicts (2 of 4 stars). 2 submissions from 2 submitters: Likely benign (2). Last evaluated 2024-11-01.

Allele frequency attached by ClinVar (database versions not stated): ExAC 0.00075; gnomAD exomes 0.00084; ESP Exome Variant Server 0.00085; gnomAD 0.00092 and 0.00093; TOPMed 0.00110.

Submissions (2):

CeGaT Center for Human Genetics Tuebingen
Classification: Likely benign. Last evaluated: 2024-11-01. Review status: criteria provided, single submitter. Criteria: CeGaT Center For Human Genetics Tuebingen Variant Classification Criteria Version 2. Collection method: clinical testing. Allele origin: germline. Affected: yes. Observed: 5 variant alleles.
Comment: NTNG2: BP4, BP7

Labcorp Genetics (formerly Invitae), Labcorp
Classification: Likely benign. Last evaluated: 2018-04-10. Review status: criteria provided, single submitter. Criteria: Invitae Variant Classification Sherloc (09022015). Collection method: clinical testing. Allele origin: germline.

NM_032536.4(NTNG2):c.27G>A (p.Leu9=)

Gene: NTNG2 (netrin G2; plus strand). Cytogenetic location: 9q34.13.
Variant type: single nucleotide variant.
Coding change: c.27G>A on transcript NM_032536.4 (MANE Select); coding-DNA position 27, G replaced by A.
Protein change: p.Leu9=; no amino-acid change (leucine 9 retained).
Molecular consequence: synonymous variant.
Genome position (GRCh38, 1-based): chr9:132,166,858, G>A. VCF-style: chr9-132166858-G-A. GRCh37 (hg19) VCF-style: chr9-135042245-G-A.
Identifiers: ClinVar variation 739685 (VCV000739685.27), dbSNP rs148958066, ClinGen allele CA5295836.